The following is an entry in ClinVar:

ClinVar aggregate classification (germline): Conflicting classifications of pathogenicity. Review status: criteria provided, conflicting classifications (1 of 4 stars). 5 submissions from 5 submitters: Uncertain significance (2); Benign (1); Likely benign (2). Last evaluated 2025-12-01.

Conditions:
Inborn genetic diseases. Identifiers: MedGen C0950123, MeSH D030342.
Renpenning syndrome. Also called: GOLABI-ITO-HALL SYNDROME; Mental retardation, X-linked Renpenning type; X-linked mental retardation with spastic diplegia; X-linked mental retardation syndromic 3; Sutherland-Haan syndrome; MENTAL RETARDATION, X-LINKED 55. Identifiers: Orphanet 3242, MedGen C0796135, MONDO:0010653, OMIM 309500.
PQBP1-related disorder. Also called: PQBP1-related condition.

Allele frequency attached by ClinVar (database versions not stated): ExAC 0.00003; TOPMed 0.00004; gnomAD 0.00005.
gnomAD v4.1: 25 of 1,208,476 alleles (0.0021%); highest among the groups gnomAD compares: Admixed American, 0.02%; no homozygotes.

Submissions (5):

Labcorp Genetics (formerly Invitae), Labcorp
Classification: Benign. Last evaluated: 2025-12-01. Review status: criteria provided, single submitter. Criteria: Invitae Variant Classification Sherloc (09022015). Collection method: clinical testing. Allele origin: germline.

Ambry Genetics
Classification: Likely benign for Inborn genetic diseases. Last evaluated: 2023-10-10. Review status: criteria provided, single submitter. Criteria: Ambry Variant Classification Scheme 2023. Collection method: clinical testing. Allele origin: germline.

PreventionGenetics, part of Exact Sciences
Classification: Uncertain significance for PQBP1-related condition. Last evaluated: 2023-06-29. Review status: criteria provided, single submitter. Criteria: ACMG Guidelines, 2015. Collection method: clinical testing. Allele origin: germline.
Comment: The PQBP1 c.397C>T variant is predicted to result in the amino acid substitution p.Arg133Trp. To our knowledge, this variant has not been reported in the literature. This variant is reported in 0.015% of alleles in individuals of Latino descent in gnomAD. Although we suspect that this variant may be benign, at this time, the clinical significance of this variant is uncertain due to the absence of conclusive functional and genetic evidence.

GeneDx
Classification: Likely benign. Last evaluated: 2020-10-27. Review status: criteria provided, single submitter. Criteria: GeneDx Variant Classification Process June 2021. Collection method: clinical testing. Allele origin: germline. Affected: yes.

Center for Human Genetics, Inc
Classification: Uncertain significance for Renpenning syndrome. Last evaluated: 2016-11-01. Review status: criteria provided, single submitter. Criteria: ACMG Guidelines, 2015. Collection method: clinical testing. Allele origin: germline. Affected: yes.

NM_001032382.2(PQBP1):c.397C>T (p.Arg133Trp)

Gene: PQBP1 (polyglutamine binding protein 1; plus strand). Cytogenetic location: Xp11.23.
Variant type: single nucleotide variant.
Coding change: c.397C>T on transcript NM_001032382.2 (MANE Select); coding-DNA position 397, C replaced by T.
Protein change: p.Arg133Trp; replaces arginine 133 with tryptophan.
Molecular consequence: missense variant. On other transcripts: intron variant (2).
Genome position (GRCh38, 1-based): chrX:48,902,337, C>T. VCF-style: chrX-48902337-C-T. GRCh37 (hg19) VCF-style: chrX-48759614-C-T.
Other names: c.397C>T, p.Arg133Trp (NM_001032381.2, NM_001032383.2, NM_001032384.1 and 2 more transcripts); c.373C>T, p.Arg125Trp (NM_001167990.2); c.292+295C>T (NM_144495.3); c.202-105C>T (NM_001167992.1); short protein forms R133W, R125W.
Identifiers: ClinVar variation 547755 (VCV000547755.10), dbSNP rs201489630, ClinGen allele CA10405915.